The following is an entry in ClinVar:

NM_003119.4(SPG7):c.1828C>T (p.Leu610Phe)

Gene: SPG7 (SPG7 matrix AAA peptidase subunit, paraplegin; plus strand). Cytogenetic location: 16q24.3.
Variant type: single nucleotide variant.
Coding change: c.1828C>T on transcript NM_003119.4 (MANE Select); coding-DNA position 1828, C replaced by T.
Protein change: p.Leu610Phe; replaces leucine 610 with phenylalanine.
Molecular consequence: missense variant.
Genome position (GRCh38, 1-based): chr16:89,553,027, C>T. VCF-style: chr16-89553027-C-T. GRCh37 (hg19) VCF-style: chr16-89619435-C-T.
Other names: c.1828C>T, p.Leu610Phe (NM_001363850.1); short protein forms L610F.
Identifiers: ClinVar variation 2633334 (VCV002633334.1), dbSNP rs2543846588, ClinGen allele CA397432514.

ClinVar aggregate classification (germline): Uncertain significance (1 of 4 stars; one submission).

Conditions:
SPG7-related disorder. Also called: SPG7-related condition.

Allele frequency attached by ClinVar (database versions not stated): gnomAD exomes 0.00001.
gnomAD v4.1: 5 of 1,614,040 alleles (0.00031%); highest among the groups gnomAD compares: Non-Finnish European, 0.00042%; no homozygotes.

Submission:

PreventionGenetics, part of Exact Sciences
Classification: Uncertain significance for SPG7-related condition. Last evaluated: 2023-05-11. Review status: criteria provided, single submitter. Criteria: ACMG Guidelines, 2015. Collection method: clinical testing. Allele origin: germline.
Comment: The SPG7 c.1828C>T variant is predicted to result in the amino acid substitution p.Leu610Phe. To our knowledge, this variant has not been reported in the literature or in a large population database, indicating this variant is rare. At this time, the clinical significance of this variant is uncertain due to the absence of conclusive functional and genetic evidence.